The following is an entry in ClinVar:

NM_001376.5(DYNC1H1):c.3064G>T (p.Ala1022Ser)

Gene: DYNC1H1 (dynein cytoplasmic 1 heavy chain 1; plus strand). Cytogenetic location: 14q32.31.
Variant type: single nucleotide variant.
Coding change: c.3064G>T on transcript NM_001376.5 (MANE Select); coding-DNA position 3064, G replaced by T.
Protein change: p.Ala1022Ser; replaces alanine 1022 with serine.
Molecular consequence: missense variant.
Genome position (GRCh38, 1-based): chr14:101,994,232, G>T. VCF-style: chr14-101994232-G-T. GRCh37 (hg19) VCF-style: chr14-102460569-G-T.
Other names: short protein forms A1022S.
Identifiers: ClinVar variation 2013274 (VCV002013274.4), dbSNP rs2503713285, ClinGen allele CA391032175.

ClinVar aggregate classification (germline): Uncertain significance (1 of 4 stars; one submission).

Conditions:
Charcot-Marie-Tooth disease axonal type 2O. Also called: CHARCOT-MARIE-TOOTH DISEASE, AXONAL, AUTOSOMAL DOMINANT, TYPE 2O; CHARCOT-MARIE-TOOTH NEUROPATHY, AXONAL, TYPE 2O; Charcot-Marie-Tooth Neuropathy Type 2O; Charcot-Marie-Tooth disease, axonal, type 20. Identifiers: Orphanet 284232, MedGen C3280220, MONDO:0013644, OMIM 614228.

Submission:

Labcorp Genetics (formerly Invitae), Labcorp
Classification: Uncertain significance for Charcot-Marie-Tooth disease axonal type 2O. Last evaluated: 2022-07-02. Review status: criteria provided, single submitter. Criteria: Invitae Variant Classification Sherloc (09022015). Collection method: clinical testing. Allele origin: germline.
Comment: This variant is not present in population databases (gnomAD no frequency). In summary, the available evidence is currently insufficient to determine the role of this variant in disease. Therefore, it has been classified as a Variant of Uncertain Significance. Advanced modeling of protein sequence and biophysical properties (such as structural, functional, and spatial information, amino acid conservation, physicochemical variation, residue mobility, and thermodynamic stability) performed at Invitae indicates that this missense variant is not expected to disrupt DYNC1H1 protein function. This variant has not been reported in the literature in individuals affected with DYNC1H1-related conditions. This sequence change replaces alanine, which is neutral and non-polar, with serine, which is neutral and polar, at codon 1022 of the DYNC1H1 protein (p.Ala1022Ser).